The following is an entry in ClinVar:

NM_003001.5(SDHC):c.307G>A (p.Val103Met)

Gene: SDHC (succinate dehydrogenase complex subunit C; plus strand). Cytogenetic location: 1q23.3.
Variant type: single nucleotide variant.
Coding change: c.307G>A on transcript NM_003001.5 (MANE Select); coding-DNA position 307, G replaced by A.
Protein change: p.Val103Met; replaces valine 103 with methionine.
Molecular consequence: missense variant. On other transcripts: non-coding transcript variant (1), intron variant (3).
Genome position (GRCh38, 1-based): chr1:161,356,742, G>A. VCF-style: chr1-161356742-G-A. GRCh37 (hg19) VCF-style: chr1-161326532-G-A.
Other names: c.205G>A, p.Val69Met (NM_001035512.3); c.148G>A, p.Val50Met (NM_001035513.3); c.427G>A, p.Val143Met (NM_001407115.1); c.250G>A, p.Val84Met (NM_001407116.1); c.244G>A, p.Val82Met (NM_001407117.1); c.199G>A, p.Val67Met (NM_001407118.1); c.196G>A, p.Val66Met (NM_001407119.1, NM_001407120.1); c.242-5587G>A (NM_001035511.3); and 2 more; short protein forms V50M, V103M, V69M, V66M, V67M, V84M, V82M, V143M.
Identifiers: ClinVar variation 1517385 (VCV001517385.9), dbSNP rs896411432, ClinGen allele CA343456434.

ClinVar aggregate classification (germline): Uncertain significance (1 of 4 stars; one submission).

Conditions:
Pheochromocytoma/paraganglioma syndrome 3. Also called: GLOMUS TUMORS, FAMILIAL, 3; Paragangliomas 3; SDHC-Related Hereditary Paraganglioma-Pheochromocytoma Syndrome (Paragangliomas 3); SDHC-Related Hereditary Paraganglioma-Pheochromocytoma Syndrome. Identifiers: Orphanet 29072, MedGen C1854336, MONDO:0011544, OMIM 605373.
Gastrointestinal stromal tumor. Also called: Gastrointestinal stromal tumor, somatic; Gastrointestinal stroma tumor. Identifiers: Orphanet 44890, MedGen C0238198, MeSH D046152, MONDO:0011719, OMIM 606764, HP:0100723.

Submission:

Labcorp Genetics (formerly Invitae), Labcorp
Classification: Uncertain significance for Pheochromocytoma/paraganglioma syndrome 3; Gastrointestinal stromal tumor. Last evaluated: 2021-01-18. Review status: criteria provided, single submitter. Criteria: Invitae Variant Classification Sherloc (09022015). Collection method: clinical testing. Allele origin: germline.
Comment: In summary, the available evidence is currently insufficient to determine the role of this variant in disease. Therefore, it has been classified as a Variant of Uncertain Significance. Algorithms developed to predict the effect of missense changes on protein structure and function are either unavailable or do not agree on the potential impact of this missense change (SIFT: "Deleterious"; PolyPhen-2: "Possibly Damaging"; Align-GVGD: "Class C0"). This sequence change replaces valine with methionine at codon 103 of the SDHC protein (p.Val103Met). The valine residue is moderately conserved and there is a small physicochemical difference between valine and methionine. This variant has not been reported in the literature in individuals with SDHC-related conditions. This variant is not present in population databases (ExAC no frequency).